The following is an entry in ClinVar:

NM_001134407.3(GRIN2A):c.1293G>C (p.Arg431Ser)

Gene: GRIN2A (glutamate ionotropic receptor NMDA type subunit 2A; minus strand). Cytogenetic location: 16p13.2.
Variant type: single nucleotide variant.
Coding change: c.1293G>C on transcript NM_001134407.3 (MANE Select); coding-DNA position 1293, G replaced by C.
Protein change: p.Arg431Ser; replaces arginine 431 with serine.
Molecular consequence: missense variant.
Genome position (GRCh38, 1-based): chr16:9,849,791, C>G on the plus strand (G>C on the coding strand, the complement: GRIN2A is on the minus strand). VCF-style: chr16-9849791-C-G. GRCh37 (hg19) VCF-style: chr16-9943648-C-G.
Other names: c.1293G>C (NM_000833.3); c.1293G>C, p.Arg431Ser (NM_000833.5, NM_001134408.2); short protein forms R431S.
Identifiers: ClinVar variation 1487019 (VCV001487019.9), dbSNP rs771768582, ClinGen allele CA394800989.

ClinVar aggregate classification (germline): Uncertain significance. Review status: criteria provided, multiple submitters, no conflicts (2 of 4 stars). 2 submissions from 2 submitters: Uncertain significance (2). Last evaluated 2024-04-22.

Conditions:
Inborn genetic diseases. Identifiers: MedGen C0950123, MeSH D030342.
Landau-Kleffner syndrome (FESD). Also called: EPILEPSY, FOCAL, WITH SPEECH DISORDER AND WITH OR WITHOUT MENTAL RETARDATION; APHASIA, ACQUIRED, WITH EPILEPSY. Identifiers: Orphanet 1945, Orphanet 725, Orphanet 98818, MedGen C0282512, MONDO:0009509, OMIM 245570.

Submissions (2):

Ambry Genetics
Classification: Uncertain significance for Inborn genetic diseases. Last evaluated: 2024-04-22. Review status: criteria provided, single submitter. Criteria: Ambry Variant Classification Scheme 2023. Collection method: clinical testing. Allele origin: germline.

Labcorp Genetics (formerly Invitae), Labcorp
Classification: Uncertain significance for Landau-Kleffner syndrome. Last evaluated: 2023-04-25. Review status: criteria provided, single submitter. Criteria: Invitae Variant Classification Sherloc (09022015). Collection method: clinical testing. Allele origin: germline.
Comment: In summary, the available evidence is currently insufficient to determine the role of this variant in disease. Therefore, it has been classified as a Variant of Uncertain Significance. Advanced modeling of protein sequence and biophysical properties (such as structural, functional, and spatial information, amino acid conservation, physicochemical variation, residue mobility, and thermodynamic stability) performed at Invitae indicates that this missense variant is not expected to disrupt GRIN2A protein function. ClinVar contains an entry for this variant (Variation ID: 1487019). This variant has not been reported in the literature in individuals affected with GRIN2A-related conditions. This variant is present in population databases (no rsID available, gnomAD 0.0009%). This sequence change replaces arginine, which is basic and polar, with serine, which is neutral and polar, at codon 431 of the GRIN2A protein (p.Arg431Ser).